The following is an entry in ClinVar:

ClinVar aggregate classification (germline): Pathogenic (1 of 4 stars; one submission).

Submission:

GeneDx
Classification: Pathogenic. Last evaluated: 2019-09-11. Review status: criteria provided, single submitter. Criteria: GeneDx Variant Classification Process June 2021. Collection method: clinical testing. Allele origin: germline. Affected: yes.
Comment: Frameshift variant predicted to result in protein truncation or nonsense mediated decay in a gene for which loss-of-function is a known mechanism of disease; Not observed in large population cohorts (Lek et al., 2016); Has not been previously published as pathogenic or benign to our knowledge

NM_001378120.1(MBD5):c.2025_2028del (p.Met675fs)

Gene: MBD5 (methyl-CpG binding domain protein 5; plus strand). Cytogenetic location: 2q23.1.
Variant type: Deletion.
Coding change: c.2025_2028del on transcript NM_001378120.1 (MANE Select); coding-DNA positions 2025 to 2028, 4 bases deleted (GGAT; older notation c.2025_2028delGGAT).
Protein change: p.Met675fs; shifts the reading frame from methionine 675.
Molecular consequence: frameshift variant.
Genome position (GRCh38, 1-based): chr2:148,469,968-148,469,971, GGAT deleted; deleting any 4 consecutive bases within chr2:148,469,966-148,469,971 gives the same sequence; the c. name uses the placement nearest the transcript's 3' end. VCF-style (leftmost placement, unchanged base first): chr2-148469965-AATGG-A. GRCh37 (hg19) VCF-style: chr2-149227534-AATGG-A.
Other names: c.2025_2028del, p.Met675fs (NM_018328.5); c.2025_2028delGGAT (NM_018328.4); short protein forms M675fs.
Identifiers: ClinVar variation 429989 (VCV000429989.3), dbSNP rs1131691713, ClinGen allele CA645369269.
Genomic context (GRCh38, chr2:148,469,965, plus strand): 5'-CGCATTGCGGAAAAGAAAACAACCACCTACGACAGTGTTGAGTTTGCTCAGACAGTCTCA[AATGG>A]ATAGTTCTGCAGTTCCTAAACCTGGACCTGACTTGCTAAGGAAGCAGGGTCAGGGTTCAT-3'